The following is an entry in ClinVar:

ClinVar aggregate classification (germline): Pathogenic/Likely pathogenic. Review status: criteria provided, multiple submitters, no conflicts (2 of 4 stars). 9 submissions from 9 submitters: Pathogenic (3); Likely pathogenic (2). 4 of the submissions do not count toward it. Last evaluated 2026-06-23.
ClinVar aggregate classification (oncogenicity): Oncogenic (1 of 4 stars; one submission).

Conditions:
FGFR3-related chondrodysplasia. Identifiers: Orphanet 93420, MedGen C5681604, MONDO:0019685.
FGFR3-related disorder. Also called: FGFR3-related disorders.
Thanatophoric dysplasia type 1 (TD1). Also called: LETHAL SHORT-LIMBED PLATYSPONDYLIC DWARFISM, SAN DIEGO TYPE; Thanatophoric Dysplasia Type 1 (TD Type 1); PLATYSPONDYLIC LETHAL SKELETAL DYSPLASIA, SAN DIEGO TYPE. Identifiers: Orphanet 1860, Orphanet 2655, MedGen C1868678, MONDO:0008546, OMIM 187600. Disease mechanism: gain of function.
Neoplasm. Also called: Neoplasms; Neoplasm (disease); tumor. Identifiers: MedGen C0027651, MeSH D009369, MONDO:0005070, HP:0002664.

Submissions (10):

Center for Genomic Medicine, Rigshospitalet, Copenhagen University Hospital
Classification: Oncogenic for Neoplasm. Last evaluated: 2026-10-16. Review status: criteria provided, single submitter. Criteria: ClinGen/CGC/VICC Guidelines for Oncogenicity, 2022. Collection method: clinical testing. Allele origin: somatic. Affected: yes.

Genomenon, Inc
Classification: Likely pathogenic for FGFR3-related chondrodysplasia. Last evaluated: 2026-06-23. Review status: criteria provided, single submitter. Criteria: Genomenon Sequence Variant Interpretation Standards - Updated. Collection method: curation. Allele origin: germline. Affected: yes.
Comment: FGFR3 p.Ser371Cys (c.1111A>T) is a missense variant that changes the amino acid at codon 371 from Serine to Cysteine. This variant has been observed in at least one proband with an FGFR3-related disorder (PMID:28249712;7773297). At least one functional study has demonstrated a substantial alteration in protein function relative to the wild-type (PMID:9438390;12009017;10587515). It is absent or not present at a significant frequency in gnomAD. In conclusion, we classify FGFR3 p.Ser371Cys (c.1111A>T) as a likely pathogenic variant.

Genomic Medicine Center of Excellence, King Faisal Specialist Hospital and Research Centre
Classification: Pathogenic for Thanatophoric dysplasia type 1. Last evaluated: 2024-06-29. Review status: criteria provided, single submitter. Criteria: ACMG Guidelines, 2015. Collection method: clinical testing. Allele origin: germline.

GeneDx
Classification: Pathogenic. Last evaluated: 2024-03-18. Review status: criteria provided, single submitter. Criteria: GeneDx Variant Classification Process June 2021. Collection method: clinical testing. Allele origin: germline. Affected: yes.
Comment: Published functional studies demonstrate ligand-independent, constitutive dimerization and phosphorylation of the MAPK and c-fos pathways (PMID: 17845056, 12009017); Not observed at significant frequency in large population cohorts (gnomAD); In silico analysis supports that this missense variant does not alter protein structure/function; This variant is associated with the following publications: (PMID: 22045636, 7773297, 8845844, 25157968, 28249712, 10587515, 12009017, 11181569, 17845056, 34358384)

Blueprint Genetics
Classification: Likely pathogenic for FGFR3-related disorders. Last evaluated: 2020-06-08. Review status: criteria provided, single submitter. Criteria: ACMG Guidelines, 2015. Collection method: clinical testing. Allele origin: germline. Affected: yes. Observed: 1 variant allele.

ARUP Laboratories, Molecular Genetics and Genomics, ARUP Laboratories
Classification: Pathogenic. Last evaluated: 2019-04-11. Review status: criteria provided, single submitter. Criteria: ARUP Molecular Germline Variant Investigation Process. Collection method: clinical testing. Allele origin: germline.
Comment: The FGFR3 c.1111A>T; p.Ser371Cys variant (rs121913484) is a known pathogenic variant causative for thanatophoric dysplasia type I (Tavormina 1995, Karczeski 2013). It is reported as pathogenic in ClinVar (Variation ID 16333) and is absent from general population databases (Exome Variant Server and Genome Aggregation Database), indicating it is not a common polymorphism. In vitro functional studies have indicated the p.Ser371Cys variant promotes ligand-independent FGFR3 correct spatial dimerization that results in constitutive ligand independent phophorylation of MAPK and c-fos transcription (Adar 2002). Based on available information, this variant is considered pathogenic. REFERENCES Adar et al. Differential activation of cysteine-substitution mutants of fibroblast growth factor receptor 3 is determined by cysteine localization. J Bone Miner Res. 2002; 17(5): 860-868. Karczenski, B and Cutting, GR: Thanatophoric Dysplasia. In: Pagon RA, Adam MP, Ardinger HH, Wallace SE, Amemiya A, Bean LJH, Bird TD, Ledbetter N, Mefford HC, Smith RJH, Stephens K, editors. GeneReviews. Seattle (WA): University of Washington, Seattle; 1993-2017. 2004 May 21 (updated 2013 Sep 12). Tavormina PL et al. Thanatophoric dysplasia (types I and II) caused by distinct mutations in fibroblast growth factor receptor 3. Nat Genet 1995; 9(3):321-328.

OMIM
Classification: Pathogenic for THANATOPHORIC DYSPLASIA, TYPE I. Last evaluated: 1995-03-01. Review status: no assertion criteria provided. Collection method: literature only. Allele origin: germline. Not counted in ClinVar's aggregate classification.

Clinical Genetics DNA and cytogenetics Diagnostics Lab, Erasmus MC, Erasmus Medical Center
Classification: Pathogenic. Review status: no assertion criteria provided. Collection method: clinical testing. Allele origin: germline. Affected: yes. Study: VKGL Data-share Consensus. Not counted in ClinVar's aggregate classification.

Diagnostic Laboratory, Department of Genetics, University Medical Center Groningen
Classification: Pathogenic. Review status: no assertion criteria provided. Collection method: clinical testing. Allele origin: germline. Affected: yes. Study: VKGL Data-share Consensus. Not counted in ClinVar's aggregate classification.

GeneReviews
No classification provided. Condition: Thanatophoric dysplasia type 1. Review status: no classification provided. Collection method: literature only. Allele origin: unknown. Not counted in ClinVar's aggregate classification.

Literature cited by the submitters: PubMed 12009017 (cited by Center for Genomic Medicine, Rigshospitalet, Copenhagen University Hospital and Genomenon, Inc); PubMed 34272467 (cited by Center for Genomic Medicine, Rigshospitalet, Copenhagen University Hospital and Genomenon, Inc); PubMed 11181569 (cited by Genomenon, Inc); PubMed 9438390 (cited by Genomenon, Inc); PubMed 10587515 (cited by Genomenon, Inc); PubMed 28249712 (cited by Genomenon, Inc); PubMed 7773297 (cited by Genomenon, Inc and OMIM); PubMed 33368972 (cited by Genomenon, Inc); PubMed 31476288 (cited by Genomenon, Inc); PubMed 28254233 (cited by Genomenon, Inc); PubMed 27028100 (cited by Genomenon, Inc); PubMed 8589699 (cited by Genomenon, Inc); PubMed 8845844 (cited by Genomenon, Inc); PubMed 9215781 (cited by Genomenon, Inc); PubMed 9677066 (cited by Genomenon, Inc); PubMed 11241532 (cited by Genomenon, Inc); PubMed 22414243 (cited by Genomenon, Inc); PubMed 24075385 (cited by Genomenon, Inc); PubMed 25800480 (cited by Genomenon, Inc); PubMed 17509076 (cited by Genomenon, Inc); PubMed 21536014 (cited by Genomenon, Inc); PubMed 23437153 (cited by Genomenon, Inc); PubMed 20301540 (cited by GeneReviews); NCBI Bookshelf NBK1366 (cited by GeneReviews).

NM_000142.5(FGFR3):c.1111A>T (p.Ser371Cys)

Gene: FGFR3 (fibroblast growth factor receptor 3; plus strand). Cytogenetic location: 4p16.3.
Variant type: single nucleotide variant.
Coding change: c.1111A>T on transcript NM_000142.5 (MANE Select); coding-DNA position 1111, A replaced by T.
Protein change: p.Ser371Cys; replaces serine 371 with cysteine.
Molecular consequence: missense variant. On other transcripts: non-coding transcript variant (1), intron variant (1).
Genome position (GRCh38, 1-based): chr4:1,804,365, A>T. VCF-style: chr4-1804365-A-T. GRCh37 (hg19) VCF-style: chr4-1806092-A-T.
Other names: c.1117A>T, p.Ser373Cys (NM_001163213.2); c.1111A>T, p.Ser371Cys (NM_001354809.2, NM_001354810.2); c.931-459A>T (NM_022965.4); short protein forms S371C, S373C.
Identifiers: ClinVar variation 16333 (VCV000016333.24), dbSNP rs121913484, ClinGen allele CA341399.
Genomic context (GRCh38, chr4:1,804,365, plus strand): 5'-GGCCTCAACGCCCATGTCTTTGCAGCCGAGGAGGAGCTGGTGGAGGCTGACGAGGCGGGC[A>T]GTGTGTATGCAGGCATCCTCAGCTACGGGGTGGGCTTCTTCCTGTTCATCCTGGTGGTGG-3'
Protein context (NP_000133.1, residues 361-381): EELVEADEAG[Ser371Cys]VYAGILSYGV